The following is an entry in ClinVar:

NM_001122630.2(CDKN1C):c.74C>T (p.Pro25Leu)

Gene: CDKN1C (cyclin dependent kinase inhibitor 1C; minus strand). Cytogenetic location: 11p15.4.
Variant type: single nucleotide variant.
Coding change: c.74C>T on transcript NM_001122630.2 (MANE Select); coding-DNA position 74, C replaced by T.
Protein change: p.Pro25Leu; replaces proline 25 with leucine.
Molecular consequence: missense variant.
Genome position (GRCh38, 1-based): chr11:2,885,383, G>A on the plus strand (C>T on the coding strand, the complement: CDKN1C is on the minus strand). VCF-style: chr11-2885383-G-A. GRCh37 (hg19) VCF-style: chr11-2906613-G-A.
Other names: c.107C>T, p.Pro36Leu (NM_000076.2, NM_001362474.2); c.74C>T, p.Pro25Leu (NM_001122631.2, NM_001362475.2); short protein forms P36L, P25L.
Identifiers: ClinVar variation 2152088 (VCV002152088.6), dbSNP rs1564930749, ClinGen allele CA379147749.

ClinVar aggregate classification (germline): Uncertain significance. Review status: criteria provided, multiple submitters, no conflicts (2 of 4 stars). 3 submissions from 3 submitters: Uncertain significance (3). Last evaluated 2026-06-10.

Conditions:
Inborn genetic diseases. Identifiers: MedGen C0950123, MeSH D030342.
Beckwith-Wiedemann syndrome (BWS). Also called: EMG SYNDROME; Exomphalos macroglossia gigantism syndrome. Identifiers: Orphanet 116, MedGen C0004903, MONDO:0007534, OMIM 130650.

Submissions (3):

Ambry Genetics
Classification: Uncertain significance for Inborn genetic diseases. Last evaluated: 2026-06-10. Review status: criteria provided, single submitter. Criteria: Ambry Variant Classification Scheme 2023. Collection method: clinical testing. Allele origin: germline.

Labcorp Genetics (formerly Invitae), Labcorp
Classification: Uncertain significance for Beckwith-Wiedemann syndrome. Last evaluated: 2025-11-24. Review status: criteria provided, single submitter. Criteria: Invitae Variant Classification Sherloc (09022015). Collection method: clinical testing. Allele origin: germline.
Comment: This sequence change replaces proline, which is neutral and non-polar, with leucine, which is neutral and non-polar, at codon 36 of the CDKN1C protein (p.Pro36Leu). This variant is not present in population databases (gnomAD no frequency). This variant has not been reported in the literature in individuals affected with CDKN1C-related conditions. ClinVar contains an entry for this variant (Variation ID: 2152088). Invitae Evidence Modeling of protein sequence and biophysical properties (such as structural, functional, and spatial information, amino acid conservation, physicochemical variation, residue mobility, and thermodynamic stability) indicates that this missense variant is not expected to disrupt CDKN1C protein function with a negative predictive value of 80%. In summary, the available evidence is currently insufficient to determine the role of this variant in disease. Therefore, it has been classified as a Variant of Uncertain Significance.

Baylor Genetics
Classification: Uncertain significance for Beckwith-Wiedemann syndrome. Last evaluated: 2024-03-09. Review status: criteria provided, single submitter. Criteria: ACMG Guidelines, 2015. Collection method: clinical testing. Allele origin: unknown.